The following is an entry in ClinVar:

NM_054027.6(ANKH):c.915+14C>T

Gene: ANKH (ANKH inorganic pyrophosphate transport regulator; minus strand). Cytogenetic location: 5p15.2.
Variant type: single nucleotide variant.
Coding change: c.915+14C>T on transcript NM_054027.6 (MANE Select); 14 bases into the intron after coding-DNA position 915, C replaced by T.
Molecular consequence: intron variant.
Genome position (GRCh38, 1-based): chr5:14,745,856, G>A on the plus strand (C>T on the coding strand, the complement: ANKH is on the minus strand). VCF-style: chr5-14745856-G-A. GRCh37 (hg19) VCF-style: chr5-14745965-G-A.
Identifiers: ClinVar variation 904823 (VCV000904823.13), dbSNP rs140045509, ClinGen allele CA3208991.

ClinVar aggregate classification (germline): Benign/Likely benign. Review status: criteria provided, multiple submitters, no conflicts (2 of 4 stars). 5 submissions from 4 submitters: Benign (3); Likely benign (2). Last evaluated 2025-11-21.

Conditions:
Craniometaphyseal dysplasia, autosomal dominant (CMDD). Identifiers: Orphanet 1522, MedGen C1852502, MONDO:0007397, OMIM 123000.
Chondrocalcinosis 2. Also called: Familial calcium pyrophosphate deposition; CALCIUM GOUT; CALCIUM PYROPHOSPHATE ARTHROPATHY. Identifiers: Orphanet 1416, MedGen C0856830, MONDO:0007319, OMIM 118600.

Allele frequency attached by ClinVar (database versions not stated): 1000 Genomes Project 30x 0.00031; gnomAD 0.00032; TOPMed 0.00037; ESP Exome Variant Server 0.00038; 1000 Genomes Project 0.00040.
gnomAD v4.1: 1,283 of 1,612,798 alleles (0.08%); highest among the groups gnomAD compares: Non-Finnish European, 0.1%; 3 homozygotes.

Submissions (5):

Labcorp Genetics (formerly Invitae), Labcorp
Classification: Likely benign. Last evaluated: 2025-11-21. Review status: criteria provided, single submitter. Criteria: Invitae Variant Classification Sherloc (09022015). Collection method: clinical testing. Allele origin: germline.

Blueprint Genetics
Classification: Likely benign. Last evaluated: 2023-11-10. Review status: criteria provided, single submitter. Criteria: ACMG Guidelines, 2015. Collection method: clinical testing. Allele origin: germline.

Genome-Nilou Lab
Classification: Benign for Craniometaphyseal dysplasia, autosomal dominant. Last evaluated: 2021-12-05. Review status: criteria provided, single submitter. Criteria: ACMG Guidelines, 2015. Collection method: clinical testing. Allele origin: germline. Affected: no.

Illumina Laboratory Services, Illumina
Classification: Benign for Craniometaphyseal dysplasia, autosomal dominant. Last evaluated: 2018-01-12. Review status: criteria provided, single submitter. Criteria: ICSL Variant Classification Criteria 13 December 2019. Collection method: clinical testing. Allele origin: germline.
Comment: This variant was observed in the ICSL laboratory as part of a predisposition screen in an ostensibly healthy population. It had not been previously curated by ICSL or reported in the Human Gene Mutation Database (HGMD: prior to June 1st, 2018), and was therefore a candidate for classification through an automated scoring system. Utilizing variant allele frequency, disease prevalence and penetrance estimates, and inheritance mode, an automated score was calculated to assess if this variant is too frequent to cause the disease. Based on the score and internal cut-off values, a variant classified as benign is not then subjected to further curation. The score for this variant resulted in a classification of benign for this disease.

Illumina Laboratory Services, Illumina
Classification: Benign for Chondrocalcinosis 2. Last evaluated: 2018-01-12. Review status: criteria provided, single submitter. Criteria: ICSL Variant Classification Criteria 13 December 2019. Collection method: clinical testing. Allele origin: germline.
Comment: the same text as in the submission from Illumina Laboratory Services, Illumina above.